The following is an entry in ClinVar:

NM_006767.4(LZTR1):c.353G>A (p.Arg118His)

Gene: LZTR1 (leucine zipper like post translational regulator 1; plus strand). Cytogenetic location: 22q11.21.
Variant type: single nucleotide variant.
Coding change: c.353G>A on transcript NM_006767.4 (MANE Select); coding-DNA position 353, G replaced by A.
Protein change: p.Arg118His; replaces arginine 118 with histidine.
Molecular consequence: missense variant.
Genome position (GRCh38, 1-based): chr22:20,987,536, G>A. VCF-style: chr22-20987536-G-A. GRCh37 (hg19) VCF-style: chr22-21341825-G-A.
Other names: c.353G>A (NM_006767.3); short protein forms R118H.
Identifiers: ClinVar variation 1015410 (VCV001015410.41), dbSNP rs769001939, ClinGen allele CA10118387.

ClinVar aggregate classification (germline): Conflicting classifications of pathogenicity. Review status: criteria provided, conflicting classifications (1 of 4 stars). 12 submissions from 12 submitters: Pathogenic (1); Likely pathogenic (6); Uncertain significance (5). Last evaluated 2026-09-25.

Conditions:
LZTR1-related schwannomatosis. Also called: Schwannomatosis 2; Schwannomatosis-2, susceptibility to. Identifiers: Orphanet 93921, MedGen C3810283, MONDO:0014299, OMIM 615670.
Noonan syndrome 2 (NS2). Identifiers: Orphanet 648, MedGen C1854469, MONDO:0011531, OMIM 605275.
Noonan syndrome 10 (NS10). Identifiers: Orphanet 648, MedGen C4225280, MONDO:0014693, OMIM 616564.
Hereditary cancer-predisposing syndrome. Also called: Neoplastic Syndromes, Hereditary; Tumor predisposition; Hereditary neoplastic syndrome; Hereditary Cancer Syndrome. Identifiers: Orphanet 140162, MedGen C0027672, MeSH D009386, MONDO:0015356.
Cardiovascular phenotype. Identifiers: MedGen CN230736.

Allele frequency attached by ClinVar (database versions not stated): ExAC 0.00002; gnomAD exomes 0.00002; TOPMed 0.00002.
gnomAD v4.1: 53 of 1,613,896 alleles (0.0033%); highest among the groups gnomAD compares: Non-Finnish European, 0.0038%; no homozygotes.

Submissions (12):

GeneDx
Classification: Likely pathogenic. Last evaluated: 2026-09-25. Review status: criteria provided, single submitter. Criteria: GeneDx Variant Classification Process June 2021. Collection method: clinical testing. Allele origin: germline.
Comment: Reported in several individuals in published literature with schwannomatosis, but detailed clinical information and familial segregation information were not provided (PMID: 29409008, 40293327); Reported in one proband from a cohort of individuals with either neurofibromatosis, isolated pigmentary features, or clinical suspicion of other RASopathies or neurocutaneous disorders, but patient-specific phenotypic information and familial segregation information were not provided (PMID: 31370276); Not observed at significant frequency in large population cohorts (gnomAD); In silico analysis supports that this missense variant has a deleterious effect on protein structure/function; This variant is associated with the following publications: (PMID: 31439678, 40008663, 40293327, Bonnard2026[article], 29409008, 31370276)

St. Jude Molecular Pathology, St. Jude Children's Research Hospital
Classification: Likely pathogenic for Noonan syndrome 10. Last evaluated: 2026-02-11. Review status: criteria provided, single submitter. Criteria: St. Jude Assertion Criteria 2020. Collection method: clinical testing. Allele origin: germline.
Comment: The LZTR1 c.353G>A p.(Arg118His) missense change has a maximum subpopulation frequency of 0.007% in gnomAD v2.1.1. The in silico tool REVEL predicts a deleterious effect on protein function, but to our knowledge this prediction has not been confirmed by functional studies. This variant has been reported in individuals with schwannomatosis (PMID: 29409008). In summary, this variant meets criteria to be classified as likely pathogenic.

CeGaT Center for Human Genetics Tuebingen
Classification: Likely pathogenic. Last evaluated: 2026-02-01. Review status: criteria provided, single submitter. Criteria: CeGaT Center For Human Genetics Tuebingen Variant Classification Criteria Version 2. Collection method: clinical testing. Allele origin: germline. Affected: yes. Observed: 2 variant alleles.
Comment: LZTR1: PM1, PM2, PS4:Moderate, PP3, PS2:Supporting

Labcorp Genetics (formerly Invitae), Labcorp
Classification: Uncertain significance. Last evaluated: 2025-11-10. Review status: criteria provided, single submitter. Criteria: Invitae Variant Classification Sherloc (09022015). Collection method: clinical testing. Allele origin: germline.
Comment: This sequence change replaces arginine, which is basic and polar, with histidine, which is basic and polar, at codon 118 of the LZTR1 protein (p.Arg118His). This variant is present in population databases (rs769001939, gnomAD 0.006%). This variant has not been reported in the literature in individuals affected with LZTR1-related conditions. ClinVar contains an entry for this variant (Variation ID: 1015410). Invitae Evidence Modeling of protein sequence and biophysical properties (such as structural, functional, and spatial information, amino acid conservation, physicochemical variation, residue mobility, and thermodynamic stability) indicates that this missense variant is not expected to disrupt LZTR1 protein function with a negative predictive value of 80%. In summary, the available evidence is currently insufficient to determine the role of this variant in disease. Therefore, it has been classified as a Variant of Uncertain Significance.

Institute for Genomic Medicine (IGM) Clinical Laboratory, Nationwide Children's Hospital
Classification: Uncertain significance for LZTR1-related schwannomatosis. Last evaluated: 2025-05-02. Review status: criteria provided, single submitter. Criteria: ACMG Guidelines, 2015. Collection method: clinical testing. Allele origin: germline.
Comment: This variant has been reported at an elevated frequency in affected individuals/in multiple affected individuals in the literature (ACMG/AMP: PS4; PMIDs:29409008, 31370276). This variant is predicted to alter protein function or structure, or disrupt splicing by multiple in silico tools (ACMG/AMP: PP3).

Center for Genomic Medicine, Rigshospitalet, Copenhagen University Hospital
Classification: Uncertain significance. Last evaluated: 2025-03-04. Review status: criteria provided, single submitter. Criteria: ACMG Guidelines, 2015. Collection method: clinical testing. Allele origin: germline.
Comment: Classification criteria: PP3_Moderate

Dasa
Classification: Uncertain significance. Last evaluated: 2025-02-28. Review status: criteria provided, single submitter. Criteria: DASA Assertion Criteria. Collection method: clinical testing. Allele origin: germline.
Comment: NM_006767.4(LZTR1):c.353G>A (p.Arg118His) is a missense variant that results in the substitution of arginine with histidine. The affected residue or protein region has prior evidence supporting clinical relevance. This variant has been reported in individuals with LZTR1-related disorders. Also, this variant is rare in population databases. Computational prediction algorithms are consistent with a deleterious effect. The currently available literature and clinical evidence are not sufficient to establish a definitive association between this variant and the reported condition. Therefore, this variant is classified as a variant of uncertain significance.

Ambry Genetics
Classification: Pathogenic for Cardiovascular phenotype; Hereditary cancer-predisposing syndrome. Last evaluated: 2024-11-21. Review status: criteria provided, single submitter. Criteria: Ambry Variant Classification Scheme 2023. Collection method: clinical testing. Allele origin: germline.
Comment: The c.353G>A (p.R118H) alteration is located in exon 4 (coding exon 4) of the LZTR1 gene. This alteration results from a G to A substitution at nucleotide position 353, causing the arginine (R) at amino acid position 118 to be replaced by a histidine (H). for an increased risk of LZTR1-related schwannomatosis (SWN) and would be expected to cause autosomal recessive Noonan syndrome when present along with a second pathogenic or likely pathogenic variant on the other allele; however, the association of this alteration with autosomal dominant Noonan syndrome is unlikely. Based on data from gnomAD, the A allele has an overall frequency of 0.002% (5/251060) total alleles studied. The highest observed frequency was 0.007% (2/30616) of South Asian alleles. This mutation has been detected in multiple individuals with schwannomas; three of the schwannomas showed somatic events consistent with schwannomatosis (Louvrier, 2018; Ambry internal data). This amino acid position is highly conserved in available vertebrate species. This alteration is predicted to be deleterious by in silico analysis. Based on the available evidence, this alteration is classified as pathogenic.

Baylor Genetics
Classification: Uncertain significance for LZTR1-related schwannomatosis. Last evaluated: 2024-01-26. Review status: criteria provided, single submitter. Criteria: ACMG Guidelines, 2015. Collection method: clinical testing. Allele origin: unknown.

Victorian Clinical Genetics Services, Murdoch Childrens Research Institute
Classification: Likely pathogenic for LZTR1-related schwannomatosis. Last evaluated: 2022-02-02. Review status: criteria provided, single submitter. Criteria: ACMG Guidelines, 2015. Collection method: clinical testing. Allele origin: germline. Inheritance: Autosomal dominant inheritance.
Comment: Based on the classification scheme VCGS_Germline_v1.3.4, this variant is classified as Likely pathogenic. Following criteria are met: 0104 - Dominant negative is a likely mechanism of disease in this gene and is associated with Noonan syndrome 10 (MIM#616564). Missense variants in this gene enhance stimulus-dependent RAS-MAPK signaling, consistent with lost LZTR1 function as a negative regulator of this pathway (PMID: 30481304). Susceptibility to schwannomatosis-2 (MIM#615670) requires a somatic second hit and is the result of a loss of function mechanism (OMIM). (I) 0107 - This gene is associated with autosomal dominant disease. (I) 0112 - The condition associated with this gene has incomplete penetrance; however, this is only applicable to schwannomatosis (GeneReviews). (I) 0115 - Variants in this gene are known to have variable expressivity; however, this is only applicable to schwannomatosis (GeneReviews). (I) 0200 - Variant is predicted to result in a missense amino acid change from arginine to histidine. (I) 0251 - This variant is heterozygous. (I) 0302 - Variant is present in gnomAD (v2) <0.001 for a dominant condition (5 heterozygotes, 0 homozygotes). (SP) 0309 - Alternative amino acid changes at the same position have been observed in gnomAD (v2, v3) (1 heterozygote, 0 homozygotes). (I) 0502 - Missense variant with conflicting in silico predictions and uninformative conservation. (I) 0600 - Variant is located in the annotated cytosine-phosphate-guanine motif (PMID: 29409008). (I) 0705 - No comparable missense variants have previous evidence for pathogenicity. (I) 0801 - This variant has strong previous evidence of pathogenicity in unrelated individuals. This variant has been reported as a VUS (LOVD, ClinVar), but has also been observed in at least six unrelated individuals with schwannomatosis and described as likely pathogenic (PMID: 31370276, PMID: 29409008). (SP) 0905 - No published segregation evidence has been identified for this variant. (I) 1007 - No published functional evidence has been identified for this variant. (I) 1208 - Inheritance information for this variant is not currently available in this individual. (I) Legend: (SP) - Supporting pathogenic, (I) - Information, (SB) - Supporting benign

Molecular Genetics, Royal Melbourne Hospital
Classification: Likely pathogenic for LZTR1-related schwannomatosis. Last evaluated: 2020-07-29. Review status: criteria provided, single submitter. Criteria: ACMG Guidelines, 2015. Collection method: clinical testing. Allele origin: germline. Affected: yes.
Comment: This sequence change is predicted to replace arginine with histidine at codon 118 of the LZTR1 protein (p.Arg118His). The arginine residue is highly conserved (100 vertebrates, UCSC), and is located within the Kelch 1 repeat domain, a highly conserved region amongst vertebrates. There is a small physicochemical difference between arginine and histidine. The variant is present in a large population cohort at a frequency of 0.002% (rs769001939, 5/251,060 alleles, 0 homozygotes, gnomAD v2.1). It has been reported in heterozygous form in five unrelated probands with schwannomatosis (PMID: 29409008, 31370276). Taken together, the prevalence of the variant in affected individuals is significantly increased compared with the prevalence in a non-neurological disease control cohort (PS4; gnomAD non-neuro v2.1, PMID: 29409008). Tumour samples from these probands showed specific somatic changes (loss of heterozygosity of LZTR1 and a pathogenic variant in NF2) consistent with the molecular profile of schwannomas (PP4; PMID: 29409008). Multiple lines of computational evidence predict a deleterious effect for this missense substitution (PP3; 5/5 algorithms). Based on the classification scheme RMH ACMG Guidelines v1.2.1, this variant is classified as LIKELY PATHOGENIC. Following criteria are met: PP3, PP4, PS4.

Juno Genomics, Hangzhou Juno Genomics, Inc
Classification: Likely pathogenic for LZTR1-related schwannomatosis; Noonan syndrome 10; Noonan syndrome 2. Review status: criteria provided, single submitter. Criteria: ACMG Guidelines, 2015. Collection method: clinical testing. Allele origin: germline.
Comment: Absent from controls (or at extremely low frequency if recessive) in Genome Aggregation Database.;Multiple lines of computational evidence support a deleterious effect on the gene or gene product.;The prevalence of the variant in affected individuals is significantly increased compared to the prevalence in controls.

Literature cited by the submitters: PubMed 29409008 (cited by 4 submitters); PubMed 31370276 (cited by 3 submitters); PubMed 30481304 (cited by Victorian Clinical Genetics Services, Murdoch Childrens Research Institute).